The following is an entry in ClinVar:

ClinVar aggregate classification (germline): Pathogenic (1 of 4 stars; one submission).

Submission:

Labcorp Genetics (formerly Invitae), Labcorp
Classification: Pathogenic. Last evaluated: 2020-06-26. Review status: criteria provided, single submitter. Criteria: Invitae Variant Classification Sherloc (09022015). Collection method: clinical testing. Allele origin: germline.
Comment: For these reasons, this variant has been classified as Pathogenic. Loss-of-function variants in CDH3 are known to be pathogenic (PMID: 27386845). This variant has not been reported in the literature in individuals with CDH3-related conditions. This variant is not present in population databases (ExAC no frequency). This sequence change creates a premature translational stop signal (p.Lys611Alafs*5) in the CDH3 gene. It is expected to result in an absent or disrupted protein product.

Literature cited by the submitters: PubMed 27386845.

NM_001793.6(CDH3):c.1831_1832del (p.Lys611fs)

Gene: CDH3 (cadherin 3; plus strand). Cytogenetic location: 16q22.1.
Variant type: Deletion.
Coding change: c.1831_1832del on transcript NM_001793.6 (MANE Select); coding-DNA positions 1831 to 1832, 2 bases deleted (AA; older notation c.1831_1832delAA).
Protein change: p.Lys611fs; shifts the reading frame from lysine 611.
Molecular consequence: frameshift variant.
Genome position (GRCh38, 1-based): chr16:68,691,755-68,691,756, AA deleted. VCF-style (leftmost placement, unchanged base first): chr16-68691754-GAA-G. GRCh37 (hg19) VCF-style: chr16-68725657-GAA-G.
Other names: c.1831_1832del, p.Lys611fs (NM_001317195.3); c.1666_1667del, p.Lys556fs (NM_001317196.2); short protein forms K556fs, K611fs.
Identifiers: ClinVar variation 1076843 (VCV001076843.7), dbSNP rs2152105500, ClinGen allele CA2499223645.